The following is an entry in ClinVar:

ClinVar aggregate classification (germline): Benign. Review status: criteria provided, multiple submitters, no conflicts (2 of 4 stars). 4 submissions from 4 submitters: Benign (4). Last evaluated 2026-02-04.

Conditions:
MHC class I deficiency. Identifiers: Orphanet 34592, MedGen C6024714, MONDO:0011476.

Allele frequency attached by ClinVar (database versions not stated): 1000 Genomes Project 30x 0.04310; gnomAD 0.08010 and 0.08275; gnomAD exomes 0.08142 and 0.10150; 1000 Genomes Project 0.04273; ESP Exome Variant Server 0.08009; TOPMed 0.06694; ExAC 0.08728.
gnomAD v4.1: 159,357 of 1,612,240 alleles (9.9%); highest among the groups gnomAD compares: Non-Finnish European, 11%; 9,114 homozygotes.

Submissions (4):

Labcorp Genetics (formerly Invitae), Labcorp
Classification: Benign for MHC class I deficiency 1. Last evaluated: 2026-02-04. Review status: criteria provided, single submitter. Criteria: Invitae Variant Classification Sherloc (09022015). Collection method: clinical testing. Allele origin: germline.

Women's Health and Genetics/Laboratory Corporation of America, LabCorp
Classification: Benign. Last evaluated: 2026-01-21. Review status: criteria provided, single submitter. Criteria: LabCorp Variant Classification Summary - May 2015. Collection method: clinical testing. Allele origin: germline.

GeneDx
Classification: Benign. Last evaluated: 2020-06-16. Review status: criteria provided, single submitter. Criteria: GeneDx Variant Classification Process June 2021. Collection method: clinical testing. Allele origin: germline. Affected: yes.

Laboratory for Molecular Medicine, Mass General Brigham Personalized Medicine
Classification: Benign. Last evaluated: 2016-03-28. Review status: criteria provided, single submitter. Criteria: LMM Criteria. Collection method: clinical testing. Allele origin: germline.
Comment: Variant identified in a genome or exome case(s) and assessed due to predicted null impact of the variant or pathogenic assertions in the literature or databases. Disclaimer: This variant has not undergone full assessment. The following are preliminary notes: Frequency

NM_001290043.2(TAP2):c.1308C>T (p.Asn436=)

Gene: TAP2 (transporter 2, ATP binding cassette subfamily B member; minus strand). Cytogenetic location: 6p21.32.
Variant type: single nucleotide variant.
Coding change: c.1308C>T on transcript NM_001290043.2 (MANE Select); coding-DNA position 1308, C replaced by T.
Protein change: p.Asn436=; no amino-acid change (asparagine 436 retained).
Molecular consequence: synonymous variant.
Genome position (GRCh38, 1-based): chr6:32,830,771, G>A on the plus strand (C>T on the coding strand, the complement: TAP2 is on the minus strand). VCF-style: chr6-32830771-G-A. GRCh37 (hg19) VCF-style: chr6-32798548-G-A.
Other names: c.1308C>T, p.Asn436= (NM_000544.3, NM_018833.3).
Identifiers: ClinVar variation 403516 (VCV000403516.15), dbSNP rs1042116, ClinGen allele CA3745937.
Genomic context (GRCh38, chr6:32,830,771, plus strand): 5'-AGGTGAAGGCAGATTTGGCTGTCGGTCCATGTAGGAGAAAACCTTCTCTGCAGCTCCCAC[G>A]TTGCTGAGCATATCCCCATATATGTATACCAGGGTCTGGAAAACAGGAATGGGAGAGCCG-3'
Protein context (NP_001276972.1, residues 426-446): LVYIYGDMLS[Asn436=]VGAAEKVFSY